The following is an entry in ClinVar:

ClinVar aggregate classification (germline): Uncertain significance (1 of 4 stars; one submission).

Conditions:
Glaucoma 1, open angle, E. Identifiers: MedGen C1842026, MONDO:0007665.
Amyotrophic lateral sclerosis type 12 (ALS12). Also called: AMYOTROPHIC LATERAL SCLEROSIS 12 WITH OR WITHOUT FRONTOTEMPORAL DEMENTIA. Identifiers: Orphanet 803, MedGen C3150692, MONDO:0013264, OMIM 613435.
Primary open angle glaucoma (POAG). Also called: OPTN-related open angle glaucoma. Identifiers: MedGen C0339573, MONDO:0100553, OMIM 137760.

Submission:

Labcorp Genetics (formerly Invitae), Labcorp
Classification: Uncertain significance for Primary open angle glaucoma; Glaucoma 1, open angle, E; Amyotrophic lateral sclerosis type 12. Last evaluated: 2024-08-06. Review status: criteria provided, single submitter. Criteria: Invitae Variant Classification Sherloc (09022015). Collection method: clinical testing. Allele origin: germline.
Comment: This sequence change replaces serine, which is neutral and polar, with alanine, which is neutral and non-polar, at codon 415 of the OPTN protein (p.Ser415Ala). This variant is not present in population databases (gnomAD no frequency). This variant has not been reported in the literature in individuals affected with OPTN-related conditions. An algorithm developed to predict the effect of missense changes on protein structure and function outputs the following: PolyPhen-2: "Benign". The alanine amino acid residue is found in multiple mammalian species, which suggests that this missense change does not adversely affect protein function. In summary, the available evidence is currently insufficient to determine the role of this variant in disease. Therefore, it has been classified as a Variant of Uncertain Significance.

NM_001008212.2(OPTN):c.1243T>G (p.Ser415Ala)

Gene: OPTN (optineurin; plus strand). Cytogenetic location: 10p13.
Variant type: single nucleotide variant.
Coding change: c.1243T>G on transcript NM_001008212.2 (MANE Select); coding-DNA position 1243, T replaced by G.
Protein change: p.Ser415Ala; replaces serine 415 with alanine.
Molecular consequence: missense variant.
Genome position (GRCh38, 1-based): chr10:13,127,745, T>G. VCF-style: chr10-13127745-T-G. GRCh37 (hg19) VCF-style: chr10-13169745-T-G.
Other names: c.1243T>G, p.Ser415Ala (NM_001008211.1, NM_001008213.1, NM_021980.4); short protein forms S415A.
Identifiers: ClinVar variation 3757549 (VCV003757549.2).
Genomic context (GRCh38, chr10:13,127,745, plus strand): 5'-TTTACTAAAACAGGCAGAATTATTTCAAAACCATTTCTAGAATAAATGTTTCTTTTTCAG[T>G]CAGAAAAAGTGGACAGGGCAGTGCTGAAGGAACTGAGTGAAAAACTGGAACTGGCAGAGA-3'
Protein context (NP_001008213.1, residues 405-425): KTIEELTRKE[Ser415Ala]EKVDRAVLKE